The following is an entry in ClinVar:

NM_018109.4(MTPAP):c.407C>T (p.Thr136Met)

Gene: MTPAP (mitochondrial poly(A) polymerase; minus strand). Cytogenetic location: 10p11.23.
Variant type: single nucleotide variant.
Coding change: c.407C>T on transcript NM_018109.4 (MANE Select); coding-DNA position 407, C replaced by T.
Protein change: p.Thr136Met; replaces threonine 136 with methionine.
Molecular consequence: missense variant.
Genome position (GRCh38, 1-based): chr10:30,340,374, G>A on the plus strand (C>T on the coding strand, the complement: MTPAP is on the minus strand). VCF-style: chr10-30340374-G-A. GRCh37 (hg19) VCF-style: chr10-30629303-G-A.
Other names: c.407C>T (NM_018109.3); short protein forms T136M.
Identifiers: ClinVar variation 2142638 (VCV002142638.2), dbSNP rs771402747, ClinGen allele CA5459198.
Genomic context (GRCh38, chr10:30,340,374, plus strand): 5'-TGGTTTTTCAACTTCAGATTGAAGAAACGTGATCTGAATGGAATTGCAGTCTCCATGGCC[G>A]TGCTTGGAGTATGAGTCCCATTCTGCAGTGAACCTATGCTTTCCTTTTGGCAAAATTCTA-3'
Protein context (NP_060579.3, residues 126-146): SLQNGTHTPS[Thr136Met]AMETAIPFRS

ClinVar aggregate classification (germline): Conflicting classifications of pathogenicity. Review status: criteria provided, conflicting classifications (1 of 4 stars). 2 submissions from 2 submitters: Uncertain significance (1); Likely benign (1). Last evaluated 2025-01-21.

Conditions:
Inborn genetic diseases. Identifiers: MedGen C0950123, MeSH D030342.

Allele frequency attached by ClinVar (database versions not stated): ExAC 0.00001.
gnomAD v4.1: 31 of 1,614,148 alleles (0.0019%); highest among the groups gnomAD compares: Middle Eastern, 0.033%; 1 homozygote.

Submissions (2):

Ambry Genetics
Classification: Likely benign for Inborn genetic diseases. Last evaluated: 2025-01-21. Review status: criteria provided, single submitter. Criteria: Ambry Variant Classification Scheme 2023. Collection method: clinical testing. Allele origin: germline.

Labcorp Genetics (formerly Invitae), Labcorp
Classification: Uncertain significance. Last evaluated: 2022-06-18. Review status: criteria provided, single submitter. Criteria: Invitae Variant Classification Sherloc (09022015). Collection method: clinical testing. Allele origin: germline.
Comment: This sequence change replaces threonine, which is neutral and polar, with methionine, which is neutral and non-polar, at codon 136 of the MTPAP protein (p.Thr136Met). This variant is present in population databases (rs771402747, gnomAD 0.009%). This variant has not been reported in the literature in individuals affected with MTPAP-related conditions. Algorithms developed to predict the effect of missense changes on protein structure and function output the following: SIFT: "Tolerated"; PolyPhen-2: "Benign"; Align-GVGD: "Class C0". The methionine amino acid residue is found in multiple mammalian species, which suggests that this missense change does not adversely affect protein function. In summary, the available evidence is currently insufficient to determine the role of this variant in disease. Therefore, it has been classified as a Variant of Uncertain Significance.